The following is an entry in ClinVar:

NM_182914.3(SYNE2):c.12323C>T (p.Ser4108Phe)

Gene: SYNE2 (spectrin repeat containing nuclear envelope protein 2; plus strand). Cytogenetic location: 14q23.2.
Variant type: single nucleotide variant.
Coding change: c.12323C>T on transcript NM_182914.3 (MANE Select); coding-DNA position 12323, C replaced by T.
Protein change: p.Ser4108Phe; replaces serine 4108 with phenylalanine.
Molecular consequence: missense variant.
Genome position (GRCh38, 1-based): chr14:64,098,763, C>T. VCF-style: chr14-64098763-C-T. GRCh37 (hg19) VCF-style: chr14-64565481-C-T.
Other names: c.12323C>T, p.Ser4108Phe (NM_015180.6); short protein forms S4108F.
Identifiers: ClinVar variation 2543606 (VCV002543606.5), dbSNP rs1021999722, ClinGen allele CA261821373.
Genomic context (GRCh38, chr14:64,098,763, plus strand): 5'-GACTGGCAAGCAGACTGCAGGTATTCTTGTGCTGTGCCTTTCAGTTGAACAGAAGAGGCT[C>T]CATGTCTTACCTGGCAGCAGTCGAGGAAGAGGTGGAAGAAAGTTCCGTGAAGAGCGATGT-3'
Protein context (NP_878918.2, residues 4098-4118): ASERKLNRRG[Ser4108Phe]MSYLAAVEEE

ClinVar aggregate classification (germline): Uncertain significance. Review status: criteria provided, multiple submitters, no conflicts (2 of 4 stars). 3 submissions from 3 submitters: Uncertain significance (3). Last evaluated 2026-04-30.

Conditions:
Emery-Dreifuss muscular dystrophy 5, autosomal dominant (EDMD5). Also called: EMERY-DREIFUSS MUSCULAR DYSTROPHY 5. Identifiers: Orphanet 261, MedGen C2751805, MONDO:0013072, OMIM 612999.

Allele frequency attached by ClinVar (database versions not stated): gnomAD 0.00001; TOPMed 0.00001.
gnomAD v4.1: 5 of 1,613,846 alleles (0.00031%); highest among the groups gnomAD compares: African/African-American, 0.004%; no homozygotes.

Submissions (3):

Women's Health and Genetics/Laboratory Corporation of America, LabCorp
Classification: Uncertain significance. Last evaluated: 2026-04-30. Review status: criteria provided, single submitter. Criteria: LabCorp Variant Classification Summary - May 2015. Collection method: clinical testing. Allele origin: germline.
Comment: Variant summary: SYNE2 c.12323C>T (p.Ser4108Phe) results in a non-conservative amino acid change in the encoded protein sequence. Algorithms developed to predict the effect of missense changes on protein structure and function are either unavailable or do not agree on the potential impact of this missense change. The variant was absent in 251278 control chromosomes. The available data on variant occurrences in the general population are insufficient to allow any conclusion about variant significance. To our knowledge, no occurrence of c.12323C>T in individuals affected with SYNE2-related conditions and no experimental evidence demonstrating its impact on protein function have been reported. ClinVar contains an entry for this variant (Variation ID: 2543606). Based on the evidence outlined above, the variant was classified as uncertain significance.

Labcorp Genetics (formerly Invitae), Labcorp
Classification: Uncertain significance for Emery-Dreifuss muscular dystrophy 5, autosomal dominant. Last evaluated: 2024-09-03. Review status: criteria provided, single submitter. Criteria: Invitae Variant Classification Sherloc (09022015). Collection method: clinical testing. Allele origin: germline.
Comment: This sequence change replaces serine, which is neutral and polar, with phenylalanine, which is neutral and non-polar, at codon 4108 of the SYNE2 protein (p.Ser4108Phe). This variant is present in population databases (no rsID available, gnomAD 0.01%). This variant has not been reported in the literature in individuals affected with SYNE2-related conditions. ClinVar contains an entry for this variant (Variation ID: 2543606). An algorithm developed to predict the effect of missense changes on protein structure and function (PolyPhen-2) suggests that this variant is likely to be disruptive. In summary, the available evidence is currently insufficient to determine the role of this variant in disease. Therefore, it has been classified as a Variant of Uncertain Significance.

Ambry Genetics
Classification: Uncertain significance. Last evaluated: 2023-05-04. Review status: criteria provided, single submitter. Criteria: Ambry Variant Classification Scheme 2023. Collection method: clinical testing. Allele origin: germline.